The following is an entry in ClinVar:

NM_001611.5(ACP5):c.627_634delinsCCTACC (p.Trp209fs)

Gene: ACP5 (acid phosphatase 5, tartrate resistant; minus strand). Cytogenetic location: 19p13.2.
Variant type: Indel.
Coding change: c.627_634delinsCCTACC on transcript NM_001611.5 (MANE Select); coding-DNA positions 627 to 634, GTCCATAG replaced by CCTACC.
Protein change: p.Trp209fs; shifts the reading frame from tryptophan 209.
Molecular consequence: frameshift variant.
Genome position (GRCh38, 1-based): chr19:11,576,344-11,576,351, CTATGGAC replaced by GGTAGG on the plus strand (GTCCATAG replaced by CCTACC on the coding strand, the reverse complement: ACP5 is on the minus strand). VCF-style: chr19-11576344-CTATGGAC-GGTAGG. GRCh37 (hg19) VCF-style: chr19-11687159-CTATGGAC-GGTAGG.
Other names: c.627_634delinsCCTACC, p.Trp209fs (NM_001111034.3, NM_001111035.3, NM_001111036.3 and 1 more transcripts); c.627_634delGTCCATAGinsCCTACC (NM_001611.5); short protein forms W209fs.
Identifiers: ClinVar variation 3377752 (VCV003377752.1).
Genomic context (GRCh38, chr19:11,576,344, plus strand): 5'-CGTATGTGGCCAGCAGTGGCCGTAGCTGCTTGACCAGGCAGTGGGTAGGCCCGTGCTCGG[CTATGGAC>GGTAGG]CACACGGGGTAGTGGCCAGCCACCAGCACGTAGTCCTCCCTGGCCGCCGCCAGCTGTTTC-3'

ClinVar aggregate classification (germline): Likely pathogenic (1 of 4 stars; one submission).

Conditions:
Spondyloenchondrodysplasia with immune dysregulation (SPENCDI). Also called: COMBINED IMMUNODEFICIENCY WITH AUTOIMMUNITY AND SPONDYLOMETAPHYSEAL DYSPLASIA; ROIFMAN IMMUNOSKELETAL SYNDROME; SPONDYLOENCHONDRODYSPLASIA WITH OR WITHOUT IMMUNE DYSREGULATION. Identifiers: Orphanet 1855, MedGen C1842763, MONDO:0011939, OMIM 607944.

Submission:

Neuberg Centre For Genomic Medicine, NCGM
Classification: Likely pathogenic for Spondyloenchondrodysplasia with immune dysregulation. Last evaluated: 2023-06-22. Review status: criteria provided, single submitter. Criteria: ACMG Guidelines, 2015. Collection method: clinical testing. Allele origin: germline. Inheritance: Autosomal recessive inheritance. Affected: yes.
Comment: The observed insertion deletion variant c.636dup(p.Glu213ArgfsTer38) in ACP5 gene has not been reported previously as a pathogenic variant nor as a benign variant, to our knowledge. The (p.Glu213ArgfsTer38) variant is absent in gnomAD Exomes. This variant causes a frameshift starting with codon Tryptophan 209, changes this amino acid to Cysteine residue, and creates a premature Stop codon at position 41 of the new reading frame, denoted p.Trp209CysfsTer41. This variant is predicted to cause loss of normal protein function through protein truncation. Loss of function variants have been previously reported to be disease causing (Briggs TA, et al., 2011). For these reasons, this variant has been classified as Likely Pathogenic. In the absence of another reportable variant, the molecular diagnosis is not confirmed.